The following is an entry in ClinVar:

ClinVar aggregate classification (germline): Uncertain significance (1 of 4 stars; one submission).

gnomAD v4.1: 1 of 1,380,858 alleles (0.000072%); highest among the groups gnomAD compares: African/African-American, 0.0015%; no homozygotes.

Submission:

Ambry Genetics
Classification: Uncertain significance. Last evaluated: 2024-01-03. Review status: criteria provided, single submitter. Criteria: Ambry Variant Classification Scheme 2023. Collection method: clinical testing. Allele origin: germline.
Comment: The p.A5T variant (also known as c.13G>A), located in coding exon 1 of the RASA2 gene, results from a G to A substitution at nucleotide position 13. The alanine at codon 5 is replaced by threonine, an amino acid with similar properties. This amino acid position is conserved. In addition, this alteration is predicted to be tolerated by in silico analysis. Since supporting evidence is limited at this time, the clinical significance of this alteration remains unclear.

NM_006506.5(RASA2):c.13G>A (p.Ala5Thr)

Genes: RASA2 (RAS p21 protein activator 2; plus strand), LOC129937686 (ATAC-STARR-seq lymphoblastoid silent region 14777; plus strand). Cytogenetic location: 3q23.
Variant type: single nucleotide variant.
Coding change: c.13G>A on transcript NM_006506.5 (MANE Select); coding-DNA position 13, G replaced by A.
Protein change: p.Ala5Thr; replaces alanine 5 with threonine.
Molecular consequence: missense variant.
Genome position (GRCh38, 1-based): chr3:141,487,096, G>A. VCF-style: chr3-141487096-G-A. GRCh37 (hg19) VCF-style: chr3-141205938-G-A.
Other names: c.13G>A, p.Ala5Thr (NM_001303245.3, NM_001303246.3); short protein forms A5T.
Identifiers: ClinVar variation 3225602 (VCV003225602.1), dbSNP rs1335723224, ClinGen allele CA354773439.